The following is an entry in ClinVar:

ClinVar aggregate classification (germline): Uncertain significance (1 of 4 stars; one submission).

Submission:

Laboratory for Molecular Medicine, Mass General Brigham Personalized Medicine
Classification: Uncertain significance. Last evaluated: 2014-01-19. Review status: criteria provided, single submitter. Criteria: LMM Criteria. Collection method: clinical testing. Allele origin: germline. Observed: 2 variant alleles.
Comment: proposed classification - variant undergoing re-assessment, contact laboratory

NM_000257.4(MYH7):c.2123G>T (p.Gly708Val)

Gene: MYH7 (myosin heavy chain 7; minus strand). Cytogenetic location: 14q11.2.
Variant type: single nucleotide variant.
Coding change: c.2123G>T on transcript NM_000257.4 (MANE Select); coding-DNA position 2123, G replaced by T.
Protein change: p.Gly708Val; replaces glycine 708 with valine.
Molecular consequence: missense variant.
Genome position (GRCh38, 1-based): chr14:23,426,003, C>A on the plus strand (G>T on the coding strand, the complement: MYH7 is on the minus strand). VCF-style: chr14-23426003-C-A. GRCh37 (hg19) VCF-style: chr14-23895212-C-A.
Other names: short protein forms G708V.
Identifiers: ClinVar variation 42883 (VCV000042883.5), dbSNP rs397516134, ClinGen allele CA011739.
Genomic context (GRCh38, chr14:23,426,003, plus strand): 5'-CTGGTGCACCCTCATACCCACCTCTGCCGGAAGTCCCCGTAGAGGATGCGGTTGGGGAAG[C>A]CTTTCCTGCAGATGCGGATGCCCTCCAGCACACCATTGCAGCGCAGCTGGTGCATGACCA-3'
Protein context (NP_000248.2, residues 698-718): VLEGIRICRK[Gly708Val]FPNRILYGDF